The following is an entry in ClinVar:

ClinVar aggregate classification (germline): Likely benign (1 of 4 stars; one submission).

Submission:

GeneDx
Classification: Likely benign. Last evaluated: 2021-05-30. Review status: criteria provided, single submitter. Criteria: GeneDx Variant Classification Process June 2021. Collection method: clinical testing. Allele origin: germline. Affected: yes.
Comment: See Variant Classification Assertion Criteria.

NM_003803.4(MYOM1):c.2992-45del

Gene: MYOM1 (myomesin 1; minus strand). Cytogenetic location: 18p11.31.
Variant type: Deletion.
Coding change: c.2992-45del on transcript NM_003803.4 (MANE Select); 45 bases into the intron before coding-DNA position 2992, one base deleted (A; older notation c.2992-45delA).
Molecular consequence: intron variant.
Genome position (GRCh38, 1-based): chr18:3,120,040, T deleted on the plus strand (A on the coding strand, the reverse complement: MYOM1 is on the minus strand); the first of 11 consecutive T bases (chr18:3,120,040-3,120,050); deleting any one gives the same sequence. VCF-style (leftmost placement, unchanged base first): chr18-3120039-GT-G. GRCh37 (hg19) VCF-style: chr18-3120037-GT-G.
Other names: c.2704-45del (NM_019856.2).
Identifiers: ClinVar variation 1706903 (VCV001706903.2), dbSNP rs367606643, ClinGen allele CA8874458.
Genomic context (GRCh38, chr18:3,120,039, plus strand): 5'-TCCTTCAAGTTGCTAATCTGCAACATTGACAACATCACAGATACTGAATGTTCCAGGTTT[GT>G]TTTTTTTTTTCTACTTGTTGAGCATTTTATTTATTTACCTTCCATGTCAGACACACCCTA-3'